The following is an entry in ClinVar:

NM_016734.3(PAX5):c.1148C>A (p.Ala383Glu)

Gene: PAX5 (paired box 5; minus strand). Cytogenetic location: 9p13.2.
Variant type: single nucleotide variant.
Coding change: c.1148C>A on transcript NM_016734.3 (MANE Select); coding-DNA position 1148, C replaced by A.
Protein change: p.Ala383Glu; replaces alanine 383 with glutamic acid.
Molecular consequence: missense variant. On other transcripts: non-coding transcript variant (2).
Genome position (GRCh38, 1-based): chr9:36,840,588, G>T on the plus strand (C>A on the coding strand, the complement: PAX5 is on the minus strand). VCF-style: chr9-36840588-G-T. GRCh37 (hg19) VCF-style: chr9-36840585-G-T.
Other names: c.1046C>A, p.Ala349Glu (NM_001280547.2); c.1061C>A, p.Ala354Glu (NM_001280548.2); c.916C>A, p.Gln306Lys (NM_001280549.2); c.829C>A, p.Gln277Lys (NM_001280550.2); c.635C>A, p.Ala212Glu (NM_001280551.2); c.959C>A, p.Ala320Glu (NM_001280552.2); c.932C>A, p.Ala311Glu (NM_001280553.2); c.1019C>A, p.Ala340Glu (NM_001280554.2); and 2 more; short protein forms Q277K, A275E, A340E, Q306K, A311E, A349E, A354E, A212E.
Identifiers: ClinVar variation 4626958 (VCV004626958.1).

ClinVar aggregate classification (germline): Uncertain significance (1 of 4 stars; one submission).

Conditions:
Inborn genetic diseases. Identifiers: MedGen C0950123, MeSH D030342.

Submission:

Ambry Genetics
Classification: Uncertain significance for Inborn genetic diseases. Last evaluated: 2025-11-05. Review status: criteria provided, single submitter. Criteria: Ambry Variant Classification Scheme 2023. Collection method: clinical testing. Allele origin: germline.
Comment: The p.A383E variant (also known as c.1148C>A), located in coding exon 10 of the PAX5 gene, results from a C to A substitution at nucleotide position 1148. The alanine at codon 383 is replaced by glutamic acid, an amino acid with dissimilar properties. This amino acid position is conserved. In addition, this alteration is predicted to be deleterious by in silico analysis. Based on the available evidence, the clinical significance of this variant remains unclear.